The following is an entry in ClinVar:

ClinVar aggregate classification (germline): Uncertain significance (1 of 4 stars; one submission).

Submission:

Women's Health and Genetics/Laboratory Corporation of America, LabCorp
Classification: Uncertain significance. Last evaluated: 2024-12-24. Review status: criteria provided, single submitter. Criteria: LabCorp Variant Classification Summary - May 2015. Collection method: clinical testing. Allele origin: germline.
Comment: Variant summary: ZBTB20 c.-20141_-16257del is located in the untranscribed region upstream of the ZBTB20 gene region. The variant was absent in 122896 control chromosomes in the gnomAD database (Structural Variants v4.1 dataset). However, other deletions around this region are annotated in the ZBTB20 gene , some of them with high frequencies (including homozygotes), suggesting that similar deletion variants may be benign polymorphisms. To our knowledge, no occurrence of c.-20141_-16257del in individuals affected with Intellectual Disability-Cataracts Pinnae-Myopathy Syndrome and no experimental evidence demonstrating its impact on protein function have been reported. No submitters have cited clinical-significance assessments for this variant to ClinVar. Based on the evidence outlined above, the variant was classified as uncertain significance.

NM_001348800.3(ZBTB20):c.-254-14498_-254-10614del

Gene: ZBTB20 (zinc finger and BTB domain containing 20; minus strand). Cytogenetic location: 3q13.31.
Variant type: Deletion.
Coding change: c.-254-14498_-254-10614del on transcript NM_001348800.3 (MANE Select); 14498 bases into the intron before 254 bases upstream of the start codon through 10614 bases into the intron before 254 bases upstream of the start codon, 3,885 bases deleted.
Molecular consequence: intron variant. On other transcripts: genic upstream transcript variant (1).
Genome position (GRCh38, 1-based): chr3:114,399,719-114,403,603, 3,885 bases deleted. GRCh37 (hg19): chr3:114,118,566-114,122,450.
Other names: c.-309-14498_-309-10614del (NM_015642.7, NM_001348801.3, NM_001348802.3 and 9 more transcripts); c.-313-14498_-313-10614del (NM_001348803.3); c.-254-14498_-254-10614del (NM_001393393.1); c.-320-14498_-320-10614del (NM_001393394.1); c.-20141_-16257del (NM_001164342.2).
Identifiers: ClinVar variation 3768463 (VCV003768463.1).